The following is an entry in ClinVar:

ClinVar aggregate classification (germline): Uncertain significance (1 of 4 stars; one submission).

Conditions:
Developmental and epileptic encephalopathy, 53. Also called: Epileptic encephalopathy, early infantile, 53. Identifiers: MedGen C4479313, MONDO:0033362, OMIM 617389.
Early-onset Parkinson disease 20. Also called: PARKINSON DISEASE 20, AUTOSOMAL RECESSIVE EARLY-ONSET. Identifiers: Orphanet 391411, MedGen C3809824, MONDO:0014233, OMIM 615530.

Allele frequency attached by ClinVar (database versions not stated): gnomAD exomes 0.00001 and 0.00002; ExAC 0.00002; gnomAD 0.00002 and 0.00003; TOPMed 0.00002; 1000 Genomes Project 0.00020.

Submission:

Labcorp Genetics (formerly Invitae), Labcorp
Classification: Uncertain significance for Developmental and epileptic encephalopathy, 53; Early-onset Parkinson disease 20. Last evaluated: 2022-07-12. Review status: criteria provided, single submitter. Criteria: Invitae Variant Classification Sherloc (09022015). Collection method: clinical testing. Allele origin: germline.
Comment: This sequence change replaces threonine, which is neutral and polar, with methionine, which is neutral and non-polar, at codon 1383 of the SYNJ1 protein (p.Thr1383Met). This variant is present in population databases (rs547772465, gnomAD 0.006%). This variant has not been reported in the literature in individuals affected with SYNJ1-related conditions. ClinVar contains an entry for this variant (Variation ID: 1053673). Algorithms developed to predict the effect of missense changes on protein structure and function output the following: SIFT: "Tolerated"; PolyPhen-2: "Benign"; Align-GVGD: "Class C0". The methionine amino acid residue is found in multiple mammalian species, which suggests that this missense change does not adversely affect protein function. In summary, the available evidence is currently insufficient to determine the role of this variant in disease. Therefore, it has been classified as a Variant of Uncertain Significance.

NM_203446.3(SYNJ1):c.*119C>T

Gene: SYNJ1 (synaptojanin 1; minus strand). Cytogenetic location: 21q22.11.
Variant type: single nucleotide variant.
Coding change: c.*119C>T on transcript NM_203446.3 (MANE Select); 119 bases downstream of the stop codon, C replaced by T.
Molecular consequence: 3 prime UTR variant. On other transcripts: missense variant (2).
Genome position (GRCh38, 1-based): chr21:32,631,686, G>A on the plus strand (C>T on the coding strand, the complement: SYNJ1 is on the minus strand). VCF-style: chr21-32631686-G-A. GRCh37 (hg19) VCF-style: chr21-34003996-G-A.
Other names: c.*119C>T (NM_001160302.2); c.3890C>T, p.Thr1297Met (NM_001160306.2); c.4148C>T, p.Thr1383Met (NM_003895.4); short protein forms T1297M, T1383M.
Identifiers: ClinVar variation 1053673 (VCV001053673.4), dbSNP rs547772465, ClinGen allele CA10003174.
Genomic context (GRCh38, chr21:32,631,686, plus strand): 5'-CTTTGCGTTGCAGAAGGCAACTGAATCAACCTCTTTGGGTCTGGGGTGGGAACAGGTGAC[G>A]TTTGAACAGATAGCTGAGCCTTTGATACAGCAAGCAGATTAAATGACAGATCTTCAAATG-3'